The following is an entry in ClinVar:

NM_003791.4(MBTPS1):c.1134+4C>T

Gene: MBTPS1 (membrane bound transcription factor peptidase, site 1; minus strand). Cytogenetic location: 16q23.3.
Variant type: single nucleotide variant.
Coding change: c.1134+4C>T on transcript NM_003791.4 (MANE Select); 4 bases into the intron after coding-DNA position 1134, C replaced by T.
Molecular consequence: intron variant.
Genome position (GRCh38, 1-based): chr16:84,087,354, G>A on the plus strand (C>T on the coding strand, the complement: MBTPS1 is on the minus strand). VCF-style: chr16-84087354-G-A. GRCh37 (hg19) VCF-style: chr16-84120959-G-A.
Identifiers: ClinVar variation 2095163 (VCV002095163.4), dbSNP rs1474584560, ClinGen allele CA623839476.

ClinVar aggregate classification (germline): Uncertain significance (1 of 4 stars; one submission).

Allele frequency attached by ClinVar (database versions not stated): TOPMed below 0.00001; gnomAD 0.00001; gnomAD exomes 0.00001.
gnomAD v4.1: 21 of 1,606,224 alleles (0.0013%); highest among the groups gnomAD compares: South Asian, 0.015%; no homozygotes.

Submission:

Labcorp Genetics (formerly Invitae), Labcorp
Classification: Uncertain significance. Last evaluated: 2022-02-08. Review status: criteria provided, single submitter. Criteria: Invitae Variant Classification Sherloc (09022015). Collection method: clinical testing. Allele origin: germline.
Comment: This sequence change falls in intron 9 of the MBTPS1 gene. It does not directly change the encoded amino acid sequence of the MBTPS1 protein. It affects a nucleotide within the consensus splice site. This variant is present in population databases (no rsID available, gnomAD 0.02%). This variant has not been reported in the literature in individuals affected with MBTPS1-related conditions. Variants that disrupt the consensus splice site are a relatively common cause of aberrant splicing (PMID: 17576681, 9536098). Algorithms developed to predict the effect of sequence changes on RNA splicing suggest that this variant is not likely to affect RNA splicing. In summary, the available evidence is currently insufficient to determine the role of this variant in disease. Therefore, it has been classified as a Variant of Uncertain Significance.

Literature cited by the submitters: PubMed 17576681; PubMed 9536098.